The following is an entry in ClinVar:

ClinVar aggregate classification (germline): Uncertain significance (1 of 4 stars; one submission).

Conditions:
Hereditary cancer-predisposing syndrome. Also called: Hereditary neoplastic syndrome; Neoplastic Syndromes, Hereditary; Tumor predisposition; Hereditary Cancer Syndrome. Identifiers: Orphanet 140162, MedGen C0027672, MeSH D009386, MONDO:0015356.

gnomAD v4.1: 1 of 1,613,328 alleles (0.000062%); highest among the groups gnomAD compares: Non-Finnish European, 0.000085%; no homozygotes.

Submission:

Ambry Genetics
Classification: Uncertain significance for Hereditary cancer-predisposing syndrome. Last evaluated: 2024-12-20. Review status: criteria provided, single submitter. Criteria: Ambry Variant Classification Scheme 2023. Collection method: clinical testing. Allele origin: germline.
Comment: The p.C75Y variant (also known as c.224G>A), located in coding exon 2 of the FANCC gene, results from a G to A substitution at nucleotide position 224. The cysteine at codon 75 is replaced by tyrosine, an amino acid with highly dissimilar properties. This amino acid position is conserved. In addition, this alteration is predicted to be deleterious by in silico analysis. Based on the available evidence, the clinical significance of this variant remains unclear.

NM_000136.3(FANCC):c.224G>A (p.Cys75Tyr)

Gene: FANCC (FA complementation group C; minus strand). Cytogenetic location: 9q22.32.
Variant type: single nucleotide variant.
Coding change: c.224G>A on transcript NM_000136.3 (MANE Select); coding-DNA position 224, G replaced by A.
Protein change: p.Cys75Tyr; replaces cysteine 75 with tyrosine.
Molecular consequence: missense variant.
Genome position (GRCh38, 1-based): chr9:95,247,458, C>T on the plus strand (G>A on the coding strand, the complement: FANCC is on the minus strand). VCF-style: chr9-95247458-C-T. GRCh37 (hg19) VCF-style: chr9-98009740-C-T.
Other names: c.224G>A, p.Cys75Tyr (NM_001243743.2, NM_001243744.2); short protein forms C75Y.
Identifiers: ClinVar variation 3848329 (VCV003848329.1).